The following is an entry in ClinVar:

NM_002227.4(JAK1):c.2755A>G (p.Ile919Val)

Gene: JAK1 (Janus kinase 1; minus strand). Cytogenetic location: 1p31.3.
Variant type: single nucleotide variant.
Coding change: c.2755A>G on transcript NM_002227.4 (MANE Select); coding-DNA position 2755, A replaced by G.
Protein change: p.Ile919Val; replaces isoleucine 919 with valine.
Molecular consequence: missense variant.
Genome position (GRCh38, 1-based): chr1:64,839,690, T>C on the plus strand (A>G on the coding strand, the complement: JAK1 is on the minus strand). VCF-style: chr1-64839690-T-C. GRCh37 (hg19) VCF-style: chr1-65305373-T-C.
Other names: c.2755A>G, p.Ile919Val (NM_001320923.2, NM_001321852.2, NM_001321853.2 and 3 more transcripts); c.2752A>G, p.Ile918Val (NM_001321857.2); c.2755A>G (NM_002227.2); short protein forms I918V, I919V.
Identifiers: ClinVar variation 1957906 (VCV001957906.6), dbSNP rs1434592824, ClinGen allele CA340665229.
Genomic context (GRCh38, chr1:64,839,690, plus strand): 5'-TCACAATGTTCTCATGATAGAGGTTCCTTAAGATCTCGATTTCCTTTTTCAGATCAGCTA[T>C]GTGGTTACCTCCACTCTCAGGCTTCAGAGATTTAACAGCCACCTGCTCCCCTGTATTGTC-3'
Protein context (NP_002218.2, residues 909-929): SLKPESGGNH[Ile919Val]ADLKKEIEIL

ClinVar aggregate classification (germline): Uncertain significance. Review status: criteria provided, multiple submitters, no conflicts (2 of 4 stars). 2 submissions from 2 submitters: Uncertain significance (2). Last evaluated 2025-11-12.

Conditions:
Inborn genetic diseases. Identifiers: MedGen C0950123, MeSH D030342.

Allele frequency attached by ClinVar (database versions not stated): gnomAD 0.00001; TOPMed 0.00001; gnomAD exomes below 0.00001.
gnomAD v4.1: 3 of 1,614,104 alleles (0.00019%); highest among the groups gnomAD compares: Non-Finnish European, 0.00025%; no homozygotes.

Submissions (2):

Labcorp Genetics (formerly Invitae), Labcorp
Classification: Uncertain significance. Last evaluated: 2025-11-12. Review status: criteria provided, single submitter. Criteria: Invitae Variant Classification Sherloc (09022015). Collection method: clinical testing. Allele origin: germline.
Comment: This sequence change replaces isoleucine, which is neutral and non-polar, with valine, which is neutral and non-polar, at codon 919 of the JAK1 protein (p.Ile919Val). This variant is not present in population databases (gnomAD no frequency). This variant has not been reported in the literature in individuals affected with JAK1-related conditions. ClinVar contains an entry for this variant (Variation ID: 1957906). Invitae Evidence Modeling of protein sequence and biophysical properties (such as structural, functional, and spatial information, amino acid conservation, physicochemical variation, residue mobility, and thermodynamic stability) indicates that this missense variant is not expected to disrupt JAK1 protein function with a negative predictive value of 80%. In summary, the available evidence is currently insufficient to determine the role of this variant in disease. Therefore, it has been classified as a Variant of Uncertain Significance.

Ambry Genetics
Classification: Uncertain significance for Inborn genetic diseases. Last evaluated: 2025-02-13. Review status: criteria provided, single submitter. Criteria: Ambry Variant Classification Scheme 2023. Collection method: clinical testing. Allele origin: germline.